The following is an entry in ClinVar:

ClinVar aggregate classification (germline): Uncertain significance (1 of 4 stars; one submission).

Conditions:
NCOA1-related disorder. Also called: NCOA1-related condition.

Submission:

PreventionGenetics, part of Exact Sciences
Classification: Uncertain significance for NCOA1-related condition. Last evaluated: 2024-12-26. Review status: criteria provided, single submitter. Criteria: ACMG Guidelines, 2015. Collection method: clinical testing. Allele origin: germline.
Comment: The NCOA1 c.3894A>C variant is predicted to result in the amino acid substitution p.Gln1298His. To our knowledge, this variant has not been reported in the literature or in a large population database (gnomAD), indicating this variant is rare. At this time, the clinical significance of this variant is uncertain due to the absence of conclusive functional and genetic evidence.

NM_003743.5(NCOA1):c.3894A>C (p.Gln1298His)

Gene: NCOA1 (nuclear receptor coactivator 1; plus strand). Cytogenetic location: 2p23.3.
Variant type: single nucleotide variant.
Coding change: c.3894A>C on transcript NM_003743.5 (MANE Select); coding-DNA position 3894, A replaced by C.
Protein change: p.Gln1298His; replaces glutamine 1298 with histidine.
Molecular consequence: missense variant.
Genome position (GRCh38, 1-based): chr2:24,757,985, A>C. VCF-style: chr2-24757985-A-C. GRCh37 (hg19) VCF-style: chr2-24980854-A-C.
Other names: c.3894A>C, p.Gln1298His (NM_001362950.1, NM_001362952.1, NM_001362954.1 and 3 more transcripts); short protein forms Q1298H.
Identifiers: ClinVar variation 4998075 (VCV004998075.1).